The following is an entry in ClinVar:

NM_206965.2(FTCD):c.763C>T (p.Arg255Ter)

Gene: FTCD (formimidoyltransferase cyclodeaminase; minus strand). Cytogenetic location: 21q22.3.
Variant type: single nucleotide variant.
Coding change: c.763C>T on transcript NM_206965.2 (MANE Select); coding-DNA position 763, C replaced by T.
Protein change: p.Arg255Ter; replaces arginine 255 with a stop codon.
Molecular consequence: nonsense.
Genome position (GRCh38, 1-based): chr21:46,150,399, G>A on the plus strand (C>T on the coding strand, the complement: FTCD is on the minus strand). VCF-style: chr21-46150399-G-A. GRCh37 (hg19) VCF-style: chr21-47570313-G-A.
Other names: c.763C>T, p.Arg255Ter (NM_001320412.2, NM_006657.3); short protein forms R255*.
Identifiers: ClinVar variation 632385 (VCV000632385.14), dbSNP rs140217223, ClinGen allele CA10073744.
Genomic context (GRCh38, chr21:46,150,399, plus strand): 5'-GACAGATCGGCTCGCCCCTCACAGCAGCAGCGGCTGCTCCCGGGCTCACCTGTGCTTCTC[G>A]GCAGGTCTCCTCGTAGACCGTGTGCAGTGCCGTGACCTCAAAGTCCAGAAGATTGGTGGA-3'

ClinVar aggregate classification (germline): Pathogenic. Review status: criteria provided, multiple submitters, no conflicts (2 of 4 stars). 4 submissions from 4 submitters: Pathogenic (3). 1 of the submissions does not count toward it. Last evaluated 2024-03-14.

Conditions:
Inborn genetic diseases. Identifiers: MedGen C0950123, MeSH D030342.
Glutamate formiminotransferase deficiency. Also called: Arakawa syndrome 1; Formiminoglutamic aciduria. Identifiers: Orphanet 51208, MedGen C0268609, MONDO:0009240, OMIM 229100.

Allele frequency attached by ClinVar (database versions not stated): gnomAD 0.00003; ESP Exome Variant Server 0.00015.
gnomAD v4.1: 82 of 1,612,738 alleles (0.0051%); highest among the groups gnomAD compares: African/African-American, 0.012%; no homozygotes.

Submissions (4):

Fulgent Genetics
Classification: Pathogenic for Glutamate formiminotransferase deficiency. Last evaluated: 2024-03-14. Review status: criteria provided, single submitter. Criteria: ACMG Guidelines, 2015. Collection method: clinical testing. Allele origin: germline.

Ambry Genetics
Classification: Pathogenic for Inborn genetic diseases. Last evaluated: 2022-01-31. Review status: criteria provided, single submitter. Criteria: Ambry Variant Classification Scheme 2023. Collection method: clinical testing. Allele origin: germline.
Comment: The c.763C>T (p.R255*) alteration, located in exon 6 (coding exon 6) of the FTCD gene, consists of a C to T substitution at nucleotide position 763. This changes the amino acid from an arginine (R) to a stop codon at amino acid position 255. This alteration is expected to result in loss of function by premature protein truncation or nonsense-mediated mRNA decay. Based on data from gnomAD, the T allele has an overall frequency of <0.01% (4/281380) total alleles studied. This mutation has been identified in a few individuals with glutamate formiminotransferase deficiency in conjunction with an FTCD frameshift variant (Majumdar, 2017; Ahrens-Nicklas, 2019). Based on the available evidence, this alteration is classified as pathogenic.

Labcorp Genetics (formerly Invitae), Labcorp
Classification: Pathogenic for Glutamate formiminotransferase deficiency. Last evaluated: 2021-04-12. Review status: criteria provided, single submitter. Criteria: Invitae Variant Classification Sherloc (09022015). Collection method: clinical testing. Allele origin: germline.
Comment: This variant has been observed in individual(s) with glutamate formiminotransferase deficiency (PMID: 29178637). ClinVar contains an entry for this variant (Variation ID: 632385). Loss-of-function variants in FTCD are known to be pathogenic (PMID: 29869163, 29178637). For these reasons, this variant has been classified as Pathogenic. This variant is present in population databases (rs140217223, ExAC 0.01%). This sequence change creates a premature translational stop signal (p.Arg255*) in the FTCD gene. It is expected to result in an absent or disrupted protein product.

OMIM
Classification: Pathogenic for GLUTAMATE FORMIMINOTRANSFERASE DEFICIENCY. Last evaluated: 2022-06-17. Review status: no assertion criteria provided. Collection method: literature only. Allele origin: germline. Not counted in ClinVar's aggregate classification.

Literature cited by the submitters: PubMed 29178637 (cited by 3 submitters); PubMed 30740726 (cited by Ambry Genetics); PubMed 29869163 (cited by Labcorp Genetics (formerly Invitae), Labcorp).